The following is an entry in ClinVar:

NM_017617.5(NOTCH1):c.6397C>A (p.Pro2133Thr)

Gene: NOTCH1 (notch receptor 1; minus strand). Cytogenetic location: 9q34.3.
Variant type: single nucleotide variant.
Coding change: c.6397C>A on transcript NM_017617.5 (MANE Select); coding-DNA position 6397, C replaced by A.
Protein change: p.Pro2133Thr; replaces proline 2133 with threonine.
Molecular consequence: missense variant.
Genome position (GRCh38, 1-based): chr9:136,497,342, G>T on the plus strand (C>A on the coding strand, the complement: NOTCH1 is on the minus strand). VCF-style: chr9-136497342-G-T. GRCh37 (hg19) VCF-style: chr9-139391794-G-T.
Other names: short protein forms P2133T.
Identifiers: ClinVar variation 936436 (VCV000936436.14), dbSNP rs61733294, ClinGen allele CA5339911.
Genomic context (GRCh38, chr9:136,497,342, plus strand): 5'-CGCCGGGCTTGAGGCTGCCCAGGTAGCCGTTGGGCGAGCAGAGCGGGGGCGACAGGGTGG[G>T]CGTGCCCCCCAGCGGGGCTCCGTGCAGCTGCGGGCTGCGCACCAGGTTGTACTCGTCCAG-3'
Protein context (NP_060087.3, residues 2123-2143): QLHGAPLGGT[Pro2133Thr]TLSPPLCSPN

ClinVar aggregate classification (germline): Uncertain significance. Review status: criteria provided, multiple submitters, no conflicts (2 of 4 stars). 5 submissions from 4 submitters: Uncertain significance (5). Last evaluated 2025-07-14.

Conditions:
Adams-Oliver syndrome 5 (AOS5). Identifiers: Orphanet 974, MedGen C4014970, MONDO:0014459, OMIM 616028.
Aortic valve disease 1 (AOVD1). Identifiers: MedGen C3887892, MONDO:0024523, OMIM 109730.

Submissions (5):

Women's Health and Genetics/Laboratory Corporation of America, LabCorp
Classification: Uncertain significance. Last evaluated: 2025-07-14. Review status: criteria provided, single submitter. Criteria: LabCorp Variant Classification Summary - May 2015. Collection method: clinical testing. Allele origin: germline.
Comment: Variant summary: NOTCH1 c.6397C>A (p.Pro2133Thr) results in a non-conservative amino acid change in the encoded protein sequence. Algorithms developed to predict the effect of missense changes on protein structure and function are either unavailable or do not agree on the potential impact of this missense change. The variant allele was found at a frequency of 1.3e-05 in 238536 control chromosomes. The available data on variant occurrences in the general population are insufficient to allow any conclusion about variant significance. To our knowledge, no occurrence of c.6397C>A in individuals affected with Adams-Oliver Syndrome 5 and no experimental evidence demonstrating its impact on protein function have been reported. ClinVar contains an entry for this variant (Variation ID: 936436). Based on the evidence outlined above, the variant was classified as uncertain significance.

Labcorp Genetics (formerly Invitae), Labcorp
Classification: Uncertain significance for Adams-Oliver syndrome 5. Last evaluated: 2025-01-11. Review status: criteria provided, single submitter. Criteria: Invitae Variant Classification Sherloc (09022015). Collection method: clinical testing. Allele origin: germline.
Comment: This sequence change replaces proline, which is neutral and non-polar, with threonine, which is neutral and polar, at codon 2133 of the NOTCH1 protein (p.Pro2133Thr). This variant is present in population databases (rs61733294, gnomAD 0.003%). This variant has not been reported in the literature in individuals affected with NOTCH1-related conditions. ClinVar contains an entry for this variant (Variation ID: 936436). Invitae Evidence Modeling of protein sequence and biophysical properties (such as structural, functional, and spatial information, amino acid conservation, physicochemical variation, residue mobility, and thermodynamic stability) indicates that this missense variant is not expected to disrupt NOTCH1 protein function with a negative predictive value of 80%. In summary, the available evidence is currently insufficient to determine the role of this variant in disease. Therefore, it has been classified as a Variant of Uncertain Significance.

GeneDx
Classification: Uncertain significance. Last evaluated: 2024-07-03. Review status: criteria provided, single submitter. Criteria: GeneDx Variant Classification Process June 2021. Collection method: clinical testing. Allele origin: germline. Affected: yes.
Comment: Has not been previously published as pathogenic or benign to our knowledge; Not observed at significant frequency in large population cohorts (gnomAD); In silico analysis indicates that this missense variant does not alter protein structure/function; This variant is associated with the following publications: (PMID: 36067609)

Genome-Nilou Lab
Classification: Uncertain significance for Adams-Oliver syndrome 5. Last evaluated: 2022-03-15. Review status: criteria provided, single submitter. Criteria: ACMG Guidelines, 2015. Collection method: clinical testing. Allele origin: germline. Affected: no.

Genome-Nilou Lab
Classification: Uncertain significance for Aortic valve disease 1. Last evaluated: 2022-03-15. Review status: criteria provided, single submitter. Criteria: ACMG Guidelines, 2015. Collection method: clinical testing. Allele origin: germline. Affected: no.

Literature cited by the submitters: PubMed 24943832 (cited by Women's Health and Genetics/Laboratory Corporation of America, LabCorp); PubMed 16614245 (cited by Women's Health and Genetics/Laboratory Corporation of America, LabCorp); PubMed 21670202 (cited by Women's Health and Genetics/Laboratory Corporation of America, LabCorp); PubMed 22210878 (cited by Women's Health and Genetics/Laboratory Corporation of America, LabCorp); PubMed 19635999 (cited by Women's Health and Genetics/Laboratory Corporation of America, LabCorp); PubMed 26837699 (cited by Women's Health and Genetics/Laboratory Corporation of America, LabCorp); PubMed 23086750 (cited by Women's Health and Genetics/Laboratory Corporation of America, LabCorp); PubMed 19245433 (cited by Women's Health and Genetics/Laboratory Corporation of America, LabCorp); PubMed 22077063 (cited by Women's Health and Genetics/Laboratory Corporation of America, LabCorp); PubMed 15472075 (cited by Women's Health and Genetics/Laboratory Corporation of America, LabCorp); PubMed 23734977 (cited by Women's Health and Genetics/Laboratory Corporation of America, LabCorp); PubMed 22858860 (cited by Women's Health and Genetics/Laboratory Corporation of America, LabCorp).